The following is an entry in ClinVar:

ClinVar aggregate classification (germline): Likely benign. Review status: criteria provided, single submitter (1 of 4 stars). 2 submissions from 2 submitters: Likely benign (1). 1 of the submissions does not count toward it. Last evaluated 2022-05-06.

Conditions:
Sarcoma. Identifiers: MedGen C1261473, MONDO:0005089, HP:0100242.

Allele frequency attached by ClinVar (database versions not stated): gnomAD 0.00007; ExAC 0.00001; gnomAD exomes 0.00001; TOPMed 0.00005.

Submissions (2):

Labcorp Genetics (formerly Invitae), Labcorp
Classification: Likely benign. Last evaluated: 2022-05-06. Review status: criteria provided, single submitter. Criteria: Invitae Variant Classification Sherloc (09022015). Collection method: clinical testing. Allele origin: germline.

Laboratory of Translational Genomics,  National Cancer Institute
No classification provided. Review status: no classification provided. Collection method: not provided. Allele origin: somatic. Not counted in ClinVar's aggregate classification.
Comment: Pediatric sarcoma specimen

NM_000142.5(FGFR3):c.1887C>T (p.Asn629=)

Gene: FGFR3 (fibroblast growth factor receptor 3; plus strand). Cytogenetic location: 4p16.3.
Variant type: single nucleotide variant.
Coding change: c.1887C>T on transcript NM_000142.5 (MANE Select); coding-DNA position 1887, C replaced by T.
Protein change: p.Asn629=; no amino-acid change (asparagine 629 retained).
Molecular consequence: synonymous variant. On other transcripts: non-coding transcript variant (1).
Genome position (GRCh38, 1-based): chr4:1,806,101, C>T. VCF-style: chr4-1806101-C-T. GRCh37 (hg19) VCF-style: chr4-1807828-C-T.
Other names: c.1893C>T, p.Asn631= (NM_001163213.2); c.1890C>T, p.Asn630= (NM_001354809.2, NM_001354810.2); c.1551C>T, p.Asn517= (NM_022965.4).
Identifiers: ClinVar variation 132957 (VCV000132957.5), dbSNP rs104886004, ClinGen allele CA156284.
Genomic context (GRCh38, chr4:1,806,101, plus strand): 5'-CCTTCCCCAGTGCATCCACAGGGACCTGGCTGCCCGCAATGTGCTGGTGACCGAGGACAA[C>T]GTGATGAAGATCGCAGACTTCGGGCTGGCCCGGGACGTGCACAACCTCGACTACTACAAG-3'
Protein context (NP_000133.1, residues 619-639): AARNVLVTED[Asn629=]VMKIADFGLA